The following is an entry in ClinVar:

ClinVar aggregate classification (germline): Uncertain significance. Review status: criteria provided, multiple submitters, no conflicts (2 of 4 stars). 3 submissions from 3 submitters: Uncertain significance (3). Last evaluated 2025-11-13.

Conditions:
Cone-rod dystrophy 6 (CORD6). Also called: RETINAL CONE DYSTROPHY 2; Cone dystrophy progressive. Identifiers: Orphanet 1872, MedGen C1866293, MONDO:0011143, OMIM 601777.
Leber congenital amaurosis 1 (LCA1). Also called: RETINAL BLINDNESS, CONGENITAL; Congenital absence of the rods and cones; Leber's congenital tapetoretinal degeneration; Leber's congenital tapetoretinal dysplasia; AMAUROSIS CONGENITA OF LEBER I. Identifiers: Orphanet 65, MedGen C2931258, MONDO:0008764, OMIM 204000.
Inborn genetic diseases. Identifiers: MedGen C0950123, MeSH D030342.

Allele frequency attached by ClinVar (database versions not stated): gnomAD 0.00001; TOPMed 0.00001.
gnomAD v4.1: 61 of 1,614,056 alleles (0.0038%); highest among the groups gnomAD compares: Non-Finnish European, 0.0045%; no homozygotes.

Submissions (3):

Ambry Genetics
Classification: Uncertain significance for Inborn genetic diseases. Last evaluated: 2025-11-13. Review status: criteria provided, single submitter. Criteria: Ambry Variant Classification Scheme 2023. Collection method: clinical testing. Allele origin: germline.

Labcorp Genetics (formerly Invitae), Labcorp
Classification: Uncertain significance for Leber congenital amaurosis 1; Cone-rod dystrophy 6. Last evaluated: 2022-04-16. Review status: criteria provided, single submitter. Criteria: Invitae Variant Classification Sherloc (09022015). Collection method: clinical testing. Allele origin: germline.
Comment: This sequence change replaces valine, which is neutral and non-polar, with isoleucine, which is neutral and non-polar, at codon 474 of the GUCY2D protein (p.Val474Ile). This variant is present in population databases (no rsID available, gnomAD 0.003%). This variant has not been reported in the literature in individuals affected with GUCY2D-related conditions. Algorithms developed to predict the effect of missense changes on protein structure and function output the following: SIFT: "Tolerated"; PolyPhen-2: "Benign"; Align-GVGD: "Class C0". The isoleucine amino acid residue is found in multiple mammalian species, which suggests that this missense change does not adversely affect protein function. In summary, the available evidence is currently insufficient to determine the role of this variant in disease. Therefore, it has been classified as a Variant of Uncertain Significance.

Blueprint Genetics
Classification: Uncertain significance. Last evaluated: 2021-08-20. Review status: criteria provided, single submitter. Criteria: ACMG Guidelines, 2015. Collection method: clinical testing. Allele origin: germline.

NM_000180.4(GUCY2D):c.1420G>A (p.Val474Ile)

Gene: GUCY2D (guanylate cyclase 2D, retinal; plus strand). Cytogenetic location: 17p13.1.
Variant type: single nucleotide variant.
Coding change: c.1420G>A on transcript NM_000180.4 (MANE Select); coding-DNA position 1420, G replaced by A.
Protein change: p.Val474Ile; replaces valine 474 with isoleucine.
Molecular consequence: missense variant.
Genome position (GRCh38, 1-based): chr17:8,007,101, G>A. VCF-style: chr17-8007101-G-A. GRCh37 (hg19) VCF-style: chr17-7910419-G-A.
Other names: c.1420G>A (NM_000180.3); short protein forms V474I.
Identifiers: ClinVar variation 2148197 (VCV002148197.3), dbSNP rs1427252897, ClinGen allele CA397948808.
Genomic context (GRCh38, chr17:8,007,101, plus strand): 5'-CCTGTCACTGTCCCTTCAGGACTGGAGCCGGGCCTCGTCTTTCTTGGCTTCCTCCTGGTG[G>A]TTGGGATGGGGCTGGCTGGGGCCTTCCTGGCCCATTATGTGAGGTGAGTAGTGGAATGAG-3'
Protein context (NP_000171.1, residues 464-484): GLVFLGFLLV[Val474Ile]GMGLAGAFLA